The following is an entry in ClinVar:

NM_022124.6(CDH23):c.5894A>G (p.Gln1965Arg)

Gene: CDH23 (cadherin related 23; plus strand). Cytogenetic location: 10q22.1.
Variant type: single nucleotide variant.
Coding change: c.5894A>G on transcript NM_022124.6 (MANE Select); coding-DNA position 5894, A replaced by G.
Protein change: p.Gln1965Arg; replaces glutamine 1965 with arginine.
Molecular consequence: missense variant.
Genome position (GRCh38, 1-based): chr10:71,789,013, A>G. VCF-style: chr10-71789013-A-G. GRCh37 (hg19) VCF-style: chr10-73548770-A-G.
Other names: short protein forms Q1965R.
Identifiers: ClinVar variation 2132439 (VCV002132439.1), dbSNP rs751376854, ClinGen allele CA5545915.

ClinVar aggregate classification (germline): Uncertain significance (1 of 4 stars; one submission).

Allele frequency attached by ClinVar (database versions not stated): gnomAD exomes below 0.00001; TOPMed below 0.00001; ExAC 0.00001.
gnomAD v4.1: 2 of 1,594,184 alleles (0.00013%); highest among the groups gnomAD compares: Non-Finnish European, 0.00017%; no homozygotes.

Submission:

Labcorp Genetics (formerly Invitae), Labcorp
Classification: Uncertain significance. Last evaluated: 2022-06-01. Review status: criteria provided, single submitter. Criteria: Invitae Variant Classification Sherloc (09022015). Collection method: clinical testing. Allele origin: germline.
Comment: This sequence change replaces glutamine, which is neutral and polar, with arginine, which is basic and polar, at codon 1965 of the CDH23 protein (p.Gln1965Arg). This variant is present in population databases (rs751376854, gnomAD 0.006%). This variant has not been reported in the literature in individuals affected with CDH23-related conditions. Algorithms developed to predict the effect of missense changes on protein structure and function are either unavailable or do not agree on the potential impact of this missense change (SIFT: "Tolerated"; PolyPhen-2: "Not Available"; Align-GVGD: "Class C0"). In summary, the available evidence is currently insufficient to determine the role of this variant in disease. Therefore, it has been classified as a Variant of Uncertain Significance.